The following is an entry in ClinVar:

NM_000214.3(JAG1):c.10C>T (p.Pro4Ser)

Gene: JAG1 (jagged canonical Notch ligand 1; minus strand). Cytogenetic location: 20p12.2.
Variant type: single nucleotide variant.
Coding change: c.10C>T on transcript NM_000214.3 (MANE Select); coding-DNA position 10, C replaced by T.
Protein change: p.Pro4Ser; replaces proline 4 with serine.
Molecular consequence: missense variant.
Genome position (GRCh38, 1-based): chr20:10,673,521, G>A on the plus strand (C>T on the coding strand, the complement: JAG1 is on the minus strand). VCF-style: chr20-10673521-G-A. GRCh37 (hg19) VCF-style: chr20-10654169-G-A.
Other names: short protein forms P4S.
Identifiers: ClinVar variation 2825248 (VCV002825248.3), dbSNP rs2514539096, ClinGen allele CA408244348.
Genomic context (GRCh38, chr20:10,673,521, plus strand): 5'-GGGCACAGAGCAGGGCGAGCAGGAGGCTTAGGGGGCGCCCGGACCGGCCGCGCGTCCGTG[G>A]GGAACGCATCGCTGCGCCGCGCGCCGCGGGCACTCGGGACGCCGCCGCTGCTGTTCGCGC-3'
Protein context (NP_000205.1, residues 1-14): MRS[Pro4Ser]RTRGRSGRPL

ClinVar aggregate classification (germline): Uncertain significance (1 of 4 stars; one submission).

Conditions:
Alagille syndrome due to a JAG1 point mutation. Also called: Alagille Syndrome 1; JAG1-Related Alagille Syndrome; HEPATIC DUCTULAR HYPOPLASIA, SYNDROMATIC. Identifiers: Orphanet 261619, Orphanet 52, MedGen C1956125, MONDO:0016862, OMIM 118450.

Allele frequency attached by ClinVar (database versions not stated): gnomAD exomes below 0.00001.
gnomAD v4.1: 1 of 1,255,772 alleles (0.00008%); highest among the groups gnomAD compares: Non-Finnish European, 0.0001%; no homozygotes.

Submission:

Labcorp Genetics (formerly Invitae), Labcorp
Classification: Uncertain significance for Alagille syndrome due to a JAG1 point mutation. Last evaluated: 2023-01-05. Review status: criteria provided, single submitter. Criteria: Invitae Variant Classification Sherloc (09022015). Collection method: clinical testing. Allele origin: germline.
Comment: This sequence change replaces proline, which is neutral and non-polar, with serine, which is neutral and polar, at codon 4 of the JAG1 protein (p.Pro4Ser). In summary, the available evidence is currently insufficient to determine the role of this variant in disease. Therefore, it has been classified as a Variant of Uncertain Significance. Algorithms developed to predict the effect of missense changes on protein structure and function output the following: SIFT: "Deleterious"; PolyPhen-2: "Not Available"; Align-GVGD: "Class C0". The serine amino acid residue is found in multiple mammalian species, which suggests that this missense change does not adversely affect protein function. This variant has not been reported in the literature in individuals affected with JAG1-related conditions. This variant is not present in population databases (gnomAD no frequency).